The following is an entry in ClinVar:

ClinVar aggregate classification (germline): Uncertain significance. Review status: criteria provided, multiple submitters, no conflicts (2 of 4 stars). 3 submissions from 3 submitters: Uncertain significance (3). Last evaluated 2025-08-07.

Conditions:
Hereditary cancer-predisposing syndrome. Also called: Hereditary Cancer Syndrome; Hereditary neoplastic syndrome; Neoplastic Syndromes, Hereditary; Tumor predisposition. Identifiers: Orphanet 140162, MedGen C0027672, MeSH D009386, MONDO:0015356.
Ataxia-telangiectasia syndrome (AT). Also called: Ataxia-telangiectasia, complementation group E; LOUIS-BAR SYNDROME; Cerebello-oculocutaneous telangiectasia; Immunodeficiency with ataxia telangiectasia; Ataxia-telangiectasia, complementation group D; AT, COMPLEMENTATION GROUP C. Identifiers: Orphanet 100, MedGen C0004135, MONDO:0008840, OMIM 208900.

Allele frequency attached by ClinVar (database versions not stated): TOPMed below 0.00001.

Submissions (3):

Labcorp Genetics (formerly Invitae), Labcorp
Classification: Uncertain significance for Ataxia-telangiectasia syndrome. Last evaluated: 2025-08-07. Review status: criteria provided, single submitter. Criteria: Invitae Variant Classification Sherloc (09022015). Collection method: clinical testing. Allele origin: germline.
Comment: This sequence change replaces arginine, which is basic and polar, with glycine, which is neutral and non-polar, at codon 1917 of the ATM protein (p.Arg1917Gly). This variant is not present in population databases (gnomAD no frequency). This variant has not been reported in the literature in individuals affected with ATM-related conditions. ClinVar contains an entry for this variant (Variation ID: 917812). Invitae Evidence Modeling of protein sequence and biophysical properties (such as structural, functional, and spatial information, amino acid conservation, physicochemical variation, residue mobility, and thermodynamic stability) indicates that this missense variant is expected to disrupt ATM protein function with a positive predictive value of 95%. In summary, the available evidence is currently insufficient to determine the role of this variant in disease. Therefore, it has been classified as a Variant of Uncertain Significance.

Ambry Genetics
Classification: Uncertain significance for Hereditary cancer-predisposing syndrome. Last evaluated: 2023-07-06. Review status: criteria provided, single submitter. Criteria: Ambry Variant Classification Scheme 2023. Collection method: clinical testing. Allele origin: germline.
Comment: The p.R1917G variant (also known as c.5749A>G), located in coding exon 37 of the ATM gene, results from an A to G substitution at nucleotide position 5749. The arginine at codon 1917 is replaced by glycine, an amino acid with dissimilar properties. This amino acid position is highly conserved in available vertebrate species. In addition, this alteration is predicted to be deleterious by in silico analysis. Since supporting evidence is limited at this time, the clinical significance of this alteration remains unclear.

Women's Health and Genetics/Laboratory Corporation of America, LabCorp
Classification: Uncertain significance. Last evaluated: 2022-10-27. Review status: criteria provided, single submitter. Criteria: LabCorp Variant Classification Summary - May 2015. Collection method: clinical testing. Allele origin: germline.
Comment: Variant summary: ATM c.5749A>G (p.Arg1917Gly) results in a non-conservative amino acid change in the encoded protein sequence. Five of five in-silico tools predict a damaging effect of the variant on protein function. The variant was absent in 251008 control chromosomes (gnomAD), and found in 1/53461 control individuals in a large breast cancer study cohort (Dorling_2021). The available data on variant occurrences in the general population are insufficient to allow any conclusion about variant significance. To our knowledge, no occurrences of c.5749A>G in individuals affected with Breast cancer and no experimental evidence demonstrating an impact on protein function has been reported. One ClinVar submitter has assessed the variant since 2014: the variant was classified as uncertain significance. Based on the evidence outlined above, the variant was classified as uncertain significance.

Literature cited by the submitters: PubMed 33471991 (cited by Women's Health and Genetics/Laboratory Corporation of America, LabCorp).

NM_000051.4(ATM):c.5749A>G (p.Arg1917Gly)

Gene: ATM (ATM serine/threonine kinase; plus strand). Cytogenetic location: 11q22.3.
Variant type: single nucleotide variant.
Coding change: c.5749A>G on transcript NM_000051.4 (MANE Select); coding-DNA position 5749, A replaced by G.
Protein change: p.Arg1917Gly; replaces arginine 1917 with glycine.
Molecular consequence: missense variant.
Genome position (GRCh38, 1-based): chr11:108,307,971, A>G. VCF-style: chr11-108307971-A-G. GRCh37 (hg19) VCF-style: chr11-108178698-A-G.
Other names: c.5749A>G, p.Arg1917Gly (NM_001351834.2); short protein forms R1917G.
Identifiers: ClinVar variation 917812 (VCV000917812.12), dbSNP rs2083822627, ClinGen allele CA382547997.